The following is an entry in ClinVar:

NM_152383.5(DIS3L2):c.1868A>G (p.Glu623Gly)

Gene: DIS3L2 (DIS3 like 3'-5' exoribonuclease 2; plus strand). Cytogenetic location: 2q37.1.
Variant type: single nucleotide variant.
Coding change: c.1868A>G on transcript NM_152383.5 (MANE Select); coding-DNA position 1868, A replaced by G.
Protein change: p.Glu623Gly; replaces glutamic acid 623 with glycine.
Molecular consequence: missense variant. On other transcripts: non-coding transcript variant (2), intron variant (1).
Genome position (GRCh38, 1-based): chr2:232,329,941, A>G. VCF-style: chr2-232329941-A-G. GRCh37 (hg19) VCF-style: chr2-233194651-A-G.
Other names: c.1582-13404A>G (NM_001257281.2); short protein forms E623G.
Identifiers: ClinVar variation 2803771 (VCV002803771.3), dbSNP rs2469434519, ClinGen allele CA350976187.
Genomic context (GRCh38, chr2:232,329,941, plus strand): 5'-AGCAGGCCCTGCTGCGCCGGCACCCCCCGCCCCAAACAAGGATGCTCAGTGACCTGGTGG[A>G]ATTCTGCGACCAGATGGGGCTGCCCGTGGACTTCAGCTCCGCAGGAGCCCTCAATGTGAG-3'
Protein context (NP_689596.4, residues 613-633): PQTRMLSDLV[Glu623Gly]FCDQMGLPVD

ClinVar aggregate classification (germline): Uncertain significance (1 of 4 stars; one submission).

Conditions:
Perlman syndrome (PRLMNS). Identifiers: Orphanet 2849, MedGen C0796113, MONDO:0009965, OMIM 267000.

Allele frequency attached by ClinVar (database versions not stated): gnomAD exomes below 0.00001.
gnomAD v4.1: 1 of 1,613,056 alleles (0.000062%); highest among the groups gnomAD compares: Non-Finnish European, 0.000085%; no homozygotes.

Submission:

Labcorp Genetics (formerly Invitae), Labcorp
Classification: Uncertain significance for Perlman syndrome. Last evaluated: 2023-01-20. Review status: criteria provided, single submitter. Criteria: Invitae Variant Classification Sherloc (09022015). Collection method: clinical testing. Allele origin: germline.
Comment: Advanced modeling of protein sequence and biophysical properties (such as structural, functional, and spatial information, amino acid conservation, physicochemical variation, residue mobility, and thermodynamic stability) performed at Invitae indicates that this missense variant is not expected to disrupt DIS3L2 protein function. This variant has not been reported in the literature in individuals affected with DIS3L2-related conditions. This variant is not present in population databases (gnomAD no frequency). This sequence change replaces glutamic acid, which is acidic and polar, with glycine, which is neutral and non-polar, at codon 623 of the DIS3L2 protein (p.Glu623Gly). In summary, the available evidence is currently insufficient to determine the role of this variant in disease. Therefore, it has been classified as a Variant of Uncertain Significance.